The following is an entry in ClinVar:

ClinVar aggregate classification (germline): Uncertain significance (1 of 4 stars; one submission).

Conditions:
Primary immunodeficiency with post-measles-mumps-rubella vaccine viral infection. Also called: Immunodeficiency 44. Identifiers: Orphanet 431166, MedGen C4225260, MONDO:0014715, OMIM 616636.

gnomAD v4.1: 7 of 1,600,192 alleles (0.00044%); highest among the groups gnomAD compares: Non-Finnish European, 0.0006%; no homozygotes.

Submission:

Labcorp Genetics (formerly Invitae), Labcorp
Classification: Uncertain significance for Primary immunodeficiency with post-measles-mumps-rubella vaccine viral infection. Last evaluated: 2025-03-26. Review status: criteria provided, single submitter. Criteria: Invitae Variant Classification Sherloc (09022015). Collection method: clinical testing. Allele origin: germline.
Comment: This sequence change replaces glutamic acid, which is acidic and polar, with glutamine, which is neutral and polar, at codon 722 of the STAT2 protein (p.Glu722Gln). This variant is present in population databases (rs767691268, gnomAD 0.002%). This variant has not been reported in the literature in individuals affected with STAT2-related conditions. Invitae Evidence Modeling of protein sequence and biophysical properties (such as structural, functional, and spatial information, amino acid conservation, physicochemical variation, residue mobility, and thermodynamic stability) indicates that this missense variant is expected to disrupt STAT2 protein function with a positive predictive value of 95%. In summary, the available evidence is currently insufficient to determine the role of this variant in disease. Therefore, it has been classified as a Variant of Uncertain Significance.

NM_005419.4(STAT2):c.2164G>C (p.Glu722Gln)

Gene: STAT2 (signal transducer and activator of transcription 2; minus strand). Cytogenetic location: 12q13.3.
Variant type: single nucleotide variant.
Coding change: c.2164G>C on transcript NM_005419.4 (MANE Select); coding-DNA position 2164, G replaced by C.
Protein change: p.Glu722Gln; replaces glutamic acid 722 with glutamine.
Molecular consequence: missense variant.
Genome position (GRCh38, 1-based): chr12:56,344,074, C>G on the plus strand (G>C on the coding strand, the complement: STAT2 is on the minus strand). VCF-style: chr12-56344074-C-G. GRCh37 (hg19) VCF-style: chr12-56737858-C-G.
Other names: c.2131G>C, p.Glu711Gln (NM_001385110.1); c.2065G>C, p.Glu689Gln (NM_001385111.1); c.2164G>C, p.Glu722Gln (NM_001385113.1); c.2143G>C, p.Glu715Gln (NM_001385114.1); c.2122G>C, p.Glu708Gln (NM_001385115.1); c.2152G>C, p.Glu718Gln (NM_198332.2); short protein forms E689Q, E708Q, E711Q, E715Q, E718Q, E722Q.
Identifiers: ClinVar variation 4806690 (VCV004806690.1).